The following is an entry in ClinVar:

ClinVar aggregate classification (germline): Uncertain significance (1 of 4 stars; one submission).

Submission:

Labcorp Genetics (formerly Invitae), Labcorp
Classification: Uncertain significance. Last evaluated: 2024-11-12. Review status: criteria provided, single submitter. Criteria: Invitae Variant Classification Sherloc (09022015). Collection method: clinical testing. Allele origin: germline.
Comment: This sequence change replaces glycine, which is neutral and non-polar, with arginine, which is basic and polar, at codon 485 of the FLNB protein (p.Gly485Arg). This variant is not present in population databases (gnomAD no frequency). This variant has not been reported in the literature in individuals affected with FLNB-related conditions. Invitae Evidence Modeling of protein sequence and biophysical properties (such as structural, functional, and spatial information, amino acid conservation, physicochemical variation, residue mobility, and thermodynamic stability) has been performed for this missense variant. However, the output from this modeling did not meet the statistical confidence thresholds required to predict the impact of this variant on FLNB protein function. Algorithms developed to predict the effect of sequence changes on RNA splicing suggest that this variant may disrupt the consensus splice site. In summary, the available evidence is currently insufficient to determine the role of this variant in disease. Therefore, it has been classified as a Variant of Uncertain Significance.

NM_001457.4(FLNB):c.1453G>A (p.Gly485Arg)

Gene: FLNB (filamin B; plus strand). Cytogenetic location: 3p14.3.
Variant type: single nucleotide variant.
Coding change: c.1453G>A on transcript NM_001457.4 (MANE Select); coding-DNA position 1453, G replaced by A.
Protein change: p.Gly485Arg; replaces glycine 485 with arginine.
Molecular consequence: missense variant.
Genome position (GRCh38, 1-based): chr3:58,102,310, G>A. VCF-style: chr3-58102310-G-A. GRCh37 (hg19) VCF-style: chr3-58088037-G-A.
Other names: c.1453G>A, p.Gly485Arg (NM_001164317.2, NM_001164318.2, NM_001164319.2); short protein forms G485R.
Identifiers: ClinVar variation 3635702 (VCV003635702.2).